The following is an entry in ClinVar:

ClinVar aggregate classification (germline): Uncertain significance (1 of 4 stars; one submission).

Conditions:
Cardiovascular phenotype. Identifiers: MedGen CN230736.

Allele frequency attached by ClinVar (database versions not stated): gnomAD exomes below 0.00001; TOPMed below 0.00001.
gnomAD v4.1: 6 of 1,613,762 alleles (0.00037%); highest among the groups gnomAD compares: Non-Finnish European, 0.00051%; no homozygotes.

Submission:

Ambry Genetics
Classification: Uncertain significance for Cardiovascular phenotype. Last evaluated: 2025-08-24. Review status: criteria provided, single submitter. Criteria: Ambry Variant Classification Scheme 2023. Collection method: clinical testing. Allele origin: germline.
Comment: The p.K1437M variant (also known as c.4310A>T), located in coding exon 10 of the TNXB gene, results from an A to T substitution at nucleotide position 4310. The lysine at codon 1437 is replaced by methionine, an amino acid with similar properties. This amino acid position is highly conserved in available vertebrate species. In addition, this alteration is predicted to be tolerated by in silico analysis. Since supporting evidence is limited at this time, the clinical significance of this alteration remains unclear.

NM_001365276.2(TNXB):c.4310A>T (p.Lys1437Met)

Gene: TNXB (tenascin XB; minus strand). Cytogenetic location: 6p21.33.
Variant type: single nucleotide variant.
Coding change: c.4310A>T on transcript NM_001365276.2 (MANE Select); coding-DNA position 4310, A replaced by T.
Protein change: p.Lys1437Met; replaces lysine 1437 with methionine.
Molecular consequence: missense variant.
Genome position (GRCh38, 1-based): chr6:32,079,098, T>A on the plus strand (A>T on the coding strand, the complement: TNXB is on the minus strand). VCF-style: chr6-32079098-T-A. GRCh37 (hg19) VCF-style: chr6-32046875-T-A.
Other names: c.4310A>T, p.Lys1437Met (NM_019105.8); short protein forms K1437M.
Identifiers: ClinVar variation 1739634 (VCV001739634.3), dbSNP rs1315071972, ClinGen allele CA363428029.